The following is an entry in ClinVar:

NM_000388.4(CASR):c.164_165delinsTT (p.Pro55Leu)

Gene: CASR (calcium sensing receptor; plus strand). Cytogenetic location: 3q21.1.
Variant type: Indel.
Coding change: c.164_165delinsTT on transcript NM_000388.4 (MANE Select); coding-DNA positions 164 to 165, CG replaced by TT.
Protein change: p.Pro55Leu; replaces proline 55 with leucine.
Molecular consequence: missense variant.
Genome position (GRCh38, 1-based): chr3:122,254,353-122,254,354, CG replaced by TT. VCF-style: chr3-122254353-CG-TT. GRCh37 (hg19) VCF-style: chr3-121973200-CG-TT.
Other names: c.164_165delinsTT, p.Pro55Leu (NM_001178065.2); c.164_165delinsTT (NM_000388.3); short protein forms P55L.
Identifiers: ClinVar variation 410326 (VCV000410326.9), dbSNP rs1060502847, ClinGen allele CA16611278.

ClinVar aggregate classification (germline): Pathogenic (1 of 4 stars; one submission).

Conditions:
Autosomal dominant hypocalcemia 1 (HYPOC1). Also called: HYPOCALCEMIA, FAMILIAL. Identifiers: MedGen C3715128, MONDO:0011013, OMIM 601198.
Familial hypocalciuric hypercalcemia (FHH). Also called: Familial benign hypercalcemia. Identifiers: Orphanet 405, MedGen C1809471, MONDO:0018458.

Submission:

Labcorp Genetics (formerly Invitae), Labcorp
Classification: Pathogenic for Familial hypocalciuric hypercalcemia; Autosomal dominant hypocalcemia 1. Last evaluated: 2019-09-28. Review status: criteria provided, single submitter. Criteria: Invitae Variant Classification Sherloc (09022015). Collection method: clinical testing. Allele origin: germline.
Comment: For these reasons, this variant has been classified as Pathogenic. Experimental studies have shown that this missense change disrupts CASR protein activity (PMID: 8878438, 19389809, 19759318). While this particular variant has not been described in the literature, a different variant (c.164C>T) giving rise to the same protein effect observed here (p.Pro55Leu) has been reported in several individuals and families affected with familial hypocalciuric hypercalcaemia (PMID: 22422767, 20164288, 11763315, 24947037). The c.164C>T (p.Pro55Leu) variant also segregates with disease in two families (PMID: 8675635, 12580936), indicating that this residue may be critical for protein function. This variant is not present in population databases (ExAC no frequency). This variant is a complex sequence change that replaces a proline with a leucine at codon 55 of the CASR protein (p.Pro55Leu). The proline residue is highly conserved and there is a moderate physicochemical difference between proline and leucine.

Literature cited by the submitters: PubMed 8878438; PubMed 19389809; PubMed 19759318; PubMed 22422767; PubMed 20164288; PubMed 11763315; PubMed 24947037; PubMed 8675635; PubMed 12580936.